The following is an entry in ClinVar:

NM_145059.3(FCSK):c.1090G>A (p.Gly364Arg)

Gene: FCSK (fucose kinase; plus strand). Cytogenetic location: 16q22.1.
Variant type: single nucleotide variant.
Coding change: c.1090G>A on transcript NM_145059.3 (MANE Select); coding-DNA position 1090, G replaced by A.
Protein change: p.Gly364Arg; replaces glycine 364 with arginine.
Molecular consequence: missense variant.
Genome position (GRCh38, 1-based): chr16:70,470,992, G>A. VCF-style: chr16-70470992-G-A. GRCh37 (hg19) VCF-style: chr16-70504895-G-A.
Other names: short protein forms G364R.
Identifiers: ClinVar variation 3637291 (VCV003637291.2).

ClinVar aggregate classification (germline): Uncertain significance (1 of 4 stars; one submission).

gnomAD v4.1: 13 of 1,595,668 alleles (0.00081%); highest among the groups gnomAD compares: Admixed American, 0.0017%; no homozygotes.

Submission:

Labcorp Genetics (formerly Invitae), Labcorp
Classification: Uncertain significance. Last evaluated: 2024-07-03. Review status: criteria provided, single submitter. Criteria: Invitae Variant Classification Sherloc (09022015). Collection method: clinical testing. Allele origin: germline.
Comment: This sequence change replaces glycine, which is neutral and non-polar, with arginine, which is basic and polar, at codon 364 of the FUK protein (p.Gly364Arg). The frequency data for this variant in the population databases is considered unreliable, as metrics indicate poor data quality at this position in the gnomAD database. This variant has not been reported in the literature in individuals affected with FUK-related conditions. An algorithm developed to predict the effect of missense changes on protein structure and function (PolyPhen-2) suggests that this variant is likely to be tolerated. In summary, the available evidence is currently insufficient to determine the role of this variant in disease. Therefore, it has been classified as a Variant of Uncertain Significance.